The following is an entry in ClinVar:

ClinVar aggregate classification (germline): Uncertain significance (1 of 4 stars; one submission).

Allele frequency attached by ClinVar (database versions not stated): gnomAD 0.00001; ExAC 0.00005; gnomAD exomes 0.00001; TOPMed below 0.00001.
gnomAD v4.1: 1 of 1,570,582 alleles (0.000064%); highest among the groups gnomAD compares: Non-Finnish European, 0.000086%; no homozygotes.

Submission:

GeneDx
Classification: Uncertain significance. Last evaluated: 2022-01-13. Review status: criteria provided, single submitter. Criteria: GeneDx Variant Classification Process June 2021. Collection method: clinical testing. Allele origin: germline. Affected: yes.
Comment: Not observed at significant frequency in large population cohorts (gnomAD); In silico analysis supports that this missense variant has a deleterious effect on protein structure/function; Has not been previously published as pathogenic or benign to our knowledge

NM_014244.5(ADAMTS2):c.1944C>G (p.His648Gln)

Gene: ADAMTS2 (ADAM metallopeptidase with thrombospondin type 1 motif 2; minus strand). Cytogenetic location: 5q35.3.
Variant type: single nucleotide variant.
Coding change: c.1944C>G on transcript NM_014244.5 (MANE Select); coding-DNA position 1944, C replaced by G.
Protein change: p.His648Gln; replaces histidine 648 with glutamine.
Molecular consequence: missense variant.
Genome position (GRCh38, 1-based): chr5:179,137,776, G>C on the plus strand (C>G on the coding strand, the complement: ADAMTS2 is on the minus strand). VCF-style: chr5-179137776-G-C. GRCh37 (hg19) VCF-style: chr5-178564777-G-C.
Other names: short protein forms H648Q.
Identifiers: ClinVar variation 1335814 (VCV001335814.2), dbSNP rs751369419, ClinGen allele CA3595742.